The following is an entry in ClinVar:

ClinVar aggregate classification (germline): Uncertain significance (1 of 4 stars; one submission).

Conditions:
Progressive sclerosing poliodystrophy (MTDPS4A). Also called: ALPERS PROGRESSIVE INFANTILE POLIODYSTROPHY; NEURONAL DEGENERATION OF CHILDHOOD WITH LIVER DISEASE, PROGRESSIVE; Alpers Syndrome; ALPERS DIFFUSE DEGENERATION OF CEREBRAL GRAY MATTER WITH HEPATIC CIRRHOSIS; Alpers-Huttenlocher Syndrome; Mitochondrial DNA depletion syndrome 4A (Alpers type). Identifiers: Orphanet 726, MedGen C0205710, MONDO:0008758, OMIM 203700.

gnomAD v4.1: 1 of 1,613,846 alleles (0.000062%); highest among the groups gnomAD compares: Middle Eastern, 0.016%; no homozygotes.

Submission:

Labcorp Genetics (formerly Invitae), Labcorp
Classification: Uncertain significance for Progressive sclerosing poliodystrophy. Last evaluated: 2024-09-24. Review status: criteria provided, single submitter. Criteria: Invitae Variant Classification Sherloc (09022015). Collection method: clinical testing. Allele origin: germline.
Comment: This sequence change replaces glutamine, which is neutral and polar, with arginine, which is basic and polar, at codon 666 of the POLG protein (p.Gln666Arg). This variant is not present in population databases (gnomAD no frequency). This variant has not been reported in the literature in individuals affected with POLG-related conditions. Invitae Evidence Modeling of protein sequence and biophysical properties (such as structural, functional, and spatial information, amino acid conservation, physicochemical variation, residue mobility, and thermodynamic stability) indicates that this missense variant is not expected to disrupt POLG protein function with a negative predictive value of 95%. In summary, the available evidence is currently insufficient to determine the role of this variant in disease. Therefore, it has been classified as a Variant of Uncertain Significance.

NM_002693.3(POLG):c.1997A>G (p.Gln666Arg)

Gene: POLG (DNA polymerase gamma, catalytic subunit; minus strand). Cytogenetic location: 15q26.1.
Variant type: single nucleotide variant.
Coding change: c.1997A>G on transcript NM_002693.3 (MANE Select); coding-DNA position 1997, A replaced by G.
Protein change: p.Gln666Arg; replaces glutamine 666 with arginine.
Molecular consequence: missense variant.
Genome position (GRCh38, 1-based): chr15:89,324,180, T>C on the plus strand (A>G on the coding strand, the complement: POLG is on the minus strand). VCF-style: chr15-89324180-T-C. GRCh37 (hg19) VCF-style: chr15-89867411-T-C.
Other names: c.1997A>G, p.Gln666Arg (NM_001126131.2); short protein forms Q666R.
Identifiers: ClinVar variation 3621185 (VCV003621185.2).